The following is an entry in ClinVar:

ClinVar aggregate classification (germline): Uncertain significance (1 of 4 stars; one submission).

Submission:

GeneDx
Classification: Uncertain significance. Last evaluated: 2025-01-27. Review status: criteria provided, single submitter. Criteria: GeneDx Variant Classification Process June 2021. Collection method: clinical testing. Allele origin: germline. Affected: yes.
Comment: Not observed at significant frequency in large population cohorts (gnomAD); In silico analysis indicates that this missense variant does not alter protein structure/function; Has not been previously published as pathogenic or benign to our knowledge

NM_001297595.2(SIN3B):c.98G>A (p.Gly33Asp)

Gene: SIN3B (SIN3 transcription regulator family member B; plus strand). Cytogenetic location: 19p13.11.
Variant type: single nucleotide variant.
Coding change: c.98G>A on transcript NM_001297595.2 (MANE Select); coding-DNA position 98, G replaced by A.
Protein change: p.Gly33Asp; replaces glycine 33 with aspartic acid.
Molecular consequence: missense variant.
Genome position (GRCh38, 1-based): chr19:16,829,518, G>A. VCF-style: chr19-16829518-G-A. GRCh37 (hg19) VCF-style: chr19-16940329-G-A.
Other names: c.98G>A, p.Gly33Asp (NM_015260.4); short protein forms G33D.
Identifiers: ClinVar variation 4072581 (VCV004072581.1).